The following is an entry in ClinVar:

ClinVar aggregate classification (germline): Conflicting classifications of pathogenicity. Review status: criteria provided, conflicting classifications (1 of 4 stars). 2 submissions from 2 submitters: Uncertain significance (1); Likely benign (1). Last evaluated 2025-10-18.

Conditions:
KBG syndrome (KBGS). Also called: ANKRD11-Related KBG Syndrome. Identifiers: Orphanet 2332, MedGen C0220687, MONDO:0007846, OMIM 148050.
Inborn genetic diseases. Identifiers: MedGen C0950123, MeSH D030342.

Submissions (2):

Ambry Genetics
Classification: Likely benign for Inborn genetic diseases. Last evaluated: 2025-10-18. Review status: criteria provided, single submitter. Criteria: Ambry Variant Classification Scheme 2023. Collection method: clinical testing. Allele origin: germline.

Labcorp Genetics (formerly Invitae), Labcorp
Classification: Uncertain significance for KBG syndrome. Last evaluated: 2024-08-31. Review status: criteria provided, single submitter. Criteria: Invitae Variant Classification Sherloc (09022015). Collection method: clinical testing. Allele origin: germline.
Comment: This sequence change replaces leucine, which is neutral and non-polar, with valine, which is neutral and non-polar, at codon 748 of the ANKRD11 protein (p.Leu748Val). This variant is not present in population databases (gnomAD no frequency). This variant has not been reported in the literature in individuals affected with ANKRD11-related conditions. Invitae Evidence Modeling of protein sequence and biophysical properties (such as structural, functional, and spatial information, amino acid conservation, physicochemical variation, residue mobility, and thermodynamic stability) indicates that this missense variant is not expected to disrupt ANKRD11 protein function with a negative predictive value of 95%. In summary, the available evidence is currently insufficient to determine the role of this variant in disease. Therefore, it has been classified as a Variant of Uncertain Significance.

NM_013275.6(ANKRD11):c.2242C>G (p.Leu748Val)

Gene: ANKRD11 (ankyrin repeat domain 11; minus strand). Cytogenetic location: 16q24.3.
Variant type: single nucleotide variant.
Coding change: c.2242C>G on transcript NM_013275.6 (MANE Select); coding-DNA position 2242, C replaced by G.
Protein change: p.Leu748Val; replaces leucine 748 with valine.
Molecular consequence: missense variant.
Genome position (GRCh38, 1-based): chr16:89,284,300, G>C on the plus strand (C>G on the coding strand, the complement: ANKRD11 is on the minus strand). VCF-style: chr16-89284300-G-C. GRCh37 (hg19) VCF-style: chr16-89350708-G-C.
Other names: c.2242C>G, p.Leu748Val (NM_001256182.2, NM_001256183.2); c.2242C>G (NM_013275.4); short protein forms L748V.
Identifiers: ClinVar variation 3621436 (VCV003621436.3).